The following is an entry in ClinVar:

NM_198173.3(GRHL3):c.134_152dup (p.Asn51fs)

Gene: GRHL3 (grainyhead like transcription factor 3; plus strand). Cytogenetic location: 1p36.11.
Variant type: Duplication.
Coding change: c.134_152dup on transcript NM_198173.3 (MANE Select); coding-DNA positions 134 to 152, 19 bases duplicated (AGGCCATGATGAGAGTCAA).
Protein change: p.Asn51fs; shifts the reading frame from asparagine 51.
Molecular consequence: frameshift variant. On other transcripts: initiator codon variant (1).
Genome position (GRCh38, 1-based): chr1:24,331,542-24,331,560, AGGCCATGATGAGAGTCAA duplicated; duplicating any 19 consecutive bases within chr1:24,331,539-24,331,560 gives the same sequence; the c. name uses the placement nearest the transcript's 3' end. VCF-style (leftmost placement, unchanged base first): chr1-24331538-A-ACAAAGGCCATGATGAGAGT. GRCh37 (hg19) VCF-style: chr1-24658028-A-ACAAAGGCCATGATGAGAGT.
Other names: c.-5_14dup, p.Asn5fs (NM_001195010.2); c.149_167dup, p.Asn56fs (NM_021180.4); c.134_152dup, p.Asn51fs (NM_198174.3); short protein forms N51fs, N56fs, N5fs.
Identifiers: ClinVar variation 1879081 (VCV001879081.30), dbSNP rs2522581753, ClinGen allele CA2580062678.

ClinVar aggregate classification (germline): Likely pathogenic (1 of 4 stars; one submission).

Submission:

CeGaT Center for Human Genetics Tuebingen
Classification: Likely pathogenic. Last evaluated: 2022-11-01. Review status: criteria provided, single submitter. Criteria: CeGaT Center For Human Genetics Tuebingen Variant Classification Criteria Version 2. Collection method: clinical testing. Allele origin: germline. Affected: yes. Observed: 1 variant allele.
Comment: GRHL3: PVS1:Strong, PM2